The following is an entry in ClinVar:

ClinVar aggregate classification (germline): Uncertain significance. Review status: criteria provided, multiple submitters, no conflicts (2 of 4 stars). 3 submissions from 3 submitters: Uncertain significance (2). 1 of the submissions does not count toward it. Last evaluated 2021-05-31.

Conditions:
Xeroderma pigmentosum (XP). Identifiers: Orphanet 910, MedGen C0043346, MONDO:0019600.
Xeroderma pigmentosum, group C (XPC). Also called: XPC-Related Xeroderma Pigmentosum; Xeroderma pigmentosum, complementation group C; XERODERMA PIGMENTOSUM III; XP, GROUP C. Identifiers: Orphanet 910, MedGen C2752147, MONDO:0010211, OMIM 278720.

Allele frequency attached by ClinVar (database versions not stated): gnomAD exomes 0.00006 and 0.00013; ExAC 0.00012; gnomAD 0.00014 and 0.00015; TOPMed 0.00018; ESP Exome Variant Server 0.00019; 1000 Genomes Project 30x 0.00031; 1000 Genomes Project 0.00040.
gnomAD v4.1: 117 of 1,613,980 alleles (0.0072%); highest among the groups gnomAD compares: Admixed American, 0.037%; no homozygotes.

Submissions (3):

Sema4
Classification: Uncertain significance for Xeroderma pigmentosum. Last evaluated: 2021-05-31. Review status: criteria provided, single submitter. Criteria: Sema4 Curation Guidelines. Collection method: curation. Allele origin: germline.
Comment: The XPC c.1781G>A (p.R594H) variant has not been reported in the literature to our knowledge. It was observed in 13/35374 chromosomes of the Latino subpopulation, with no homozygotes, in the large and broad cohorts of the Genome Aggregation Database. The variant has been reported in ClinVar (Variation ID 903380). In silico tools suggest the impact of the variant on protein function is inconclusive, though these predictions have not been confirmed by functional studies. The evidence is insufficient to meet ACMG/AMP criteria for classifying the variant as benign or pathogenic. Thus, the clinical significance of this variant is currently uncertain.

Illumina Laboratory Services, Illumina
Classification: Uncertain significance for Xeroderma pigmentosum, group C. Last evaluated: 2017-04-28. Review status: criteria provided, single submitter. Criteria: ICSL Variant Classification Criteria 13 December 2019. Collection method: clinical testing. Allele origin: germline.

Department of Pathology and Laboratory Medicine, Sinai Health System
Classification: Uncertain significance. Review status: no assertion criteria provided. Collection method: clinical testing. Allele origin: unknown. Affected: yes. Study: The Canadian Open Genetics Repository (COGR). Not counted in ClinVar's aggregate classification.
Comment: The XPC p.R594H variant was not identified in the literature nor was it identified in ClinVar. The variant was identified in dbSNP (ID: rs147900621) and in control databases in 33 of 266208 chromosomes at a frequency of 0.000124 (Genome Aggregation Database March 6, 2019, v2.1.1, non-cancer). The variant was observed in the following populations: Latino in 12 of 35042 chromosomes (freq: 0.000342), Other in 1 of 6624 chromosomes (freq: 0.000151), European (Finnish) in 3 of 25002 chromosomes (freq: 0.00012), European (non-Finnish) in 14 of 117476 chromosomes (freq: 0.000119), Ashkenazi Jewish in 1 of 9854 chromosomes (freq: 0.000102) and African in 2 of 22854 chromosomes (freq: 0.000088), but was not observed in the East Asian or South Asian populations. The p.R594 residue is not conserved in mammals and computational analyses (PolyPhen-2, SIFT, AlignGVGD, BLOSUM, MutationTaster) provide inconsistent predictions regarding the impact to the protein; this information is not very predictive of pathogenicity. The variant occurs outside of the splicing consensus sequence and 1 of 4 in silico or computational prediction software programs (SpliceSiteFinder, MaxEntScan, NNSPLICE, GeneSplicer) predict a greater than 10% difference in splicing; this is not very predictive of pathogenicity. In summary, based on the above information the clinical significance of this variant cannot be determined with certainty at this time. This variant is classified as a variant of uncertain significance.

NM_004628.5(XPC):c.1781G>A (p.Arg594His)

Gene: XPC (XPC complex subunit, DNA damage recognition and repair factor; minus strand). Cytogenetic location: 3p25.1.
Variant type: single nucleotide variant.
Coding change: c.1781G>A on transcript NM_004628.5 (MANE Select); coding-DNA position 1781, G replaced by A.
Protein change: p.Arg594His; replaces arginine 594 with histidine.
Molecular consequence: missense variant. On other transcripts: intron variant (1), non-coding transcript variant (2).
Genome position (GRCh38, 1-based): chr3:14,158,102, C>T on the plus strand (G>A on the coding strand, the complement: XPC is on the minus strand). VCF-style: chr3-14158102-C-T. GRCh37 (hg19) VCF-style: chr3-14199602-C-T.
Other names: c.1202G>A, p.Arg401His (NM_001354726.2); c.1781G>A, p.Arg594His (NM_001354727.2); c.1763G>A, p.Arg588His (NM_001354729.2); c.1626+155G>A (NM_001354730.2); short protein forms R594H, R401H, R588H.
Identifiers: ClinVar variation 903380 (VCV000903380.6), dbSNP rs147900621, ClinGen allele CA2267364.